The following is an entry in ClinVar:

NM_022750.4(PARP12):c.1498-5T>C

Gene: PARP12 (poly(ADP-ribose) polymerase family member 12; minus strand). Cytogenetic location: 7q34.
Variant type: single nucleotide variant.
Coding change: c.1498-5T>C on transcript NM_022750.4 (MANE Select); 5 bases into the intron before coding-DNA position 1498, T replaced by C.
Molecular consequence: intron variant.
Genome position (GRCh38, 1-based): chr7:140,027,411, A>G on the plus strand (T>C on the coding strand, the complement: PARP12 is on the minus strand). VCF-style: chr7-140027411-A-G. GRCh37 (hg19) VCF-style: chr7-139727211-A-G.
Identifiers: ClinVar variation 2658018 (VCV002658018.24), dbSNP rs180697510, ClinGen allele CA4512357.

ClinVar aggregate classification (germline): Likely benign (1 of 4 stars; one submission).

Allele frequency attached by ClinVar (database versions not stated): 1000 Genomes Project 30x 0.00219; 1000 Genomes Project 0.00220; TOPMed 0.00434; ESP Exome Variant Server 0.00484; gnomAD 0.00517; ExAC 0.00578; gnomAD exomes 0.00742.
gnomAD v4.1: 11,481 of 1,613,532 alleles (0.71%); highest among the groups gnomAD compares: Non-Finnish European, 0.81%; 62 homozygotes.

Submission:

CeGaT Center for Human Genetics Tuebingen
Classification: Likely benign. Last evaluated: 2023-07-01. Review status: criteria provided, single submitter. Criteria: CeGaT Center For Human Genetics Tuebingen Variant Classification Criteria Version 2. Collection method: clinical testing. Allele origin: germline. Affected: yes. Observed: 1 variant allele.
Comment: PARP12: BP4, BS2